The following is an entry in ClinVar:

NM_001851.6(COL9A1):c.943G>A (p.Ala315Thr)

Gene: COL9A1 (collagen type IX alpha 1 chain; minus strand). Cytogenetic location: 6q13.
Variant type: single nucleotide variant.
Coding change: c.943G>A on transcript NM_001851.6 (MANE Select); coding-DNA position 943, G replaced by A.
Protein change: p.Ala315Thr; replaces alanine 315 with threonine.
Molecular consequence: missense variant. On other transcripts: non-coding transcript variant (1).
Genome position (GRCh38, 1-based): chr6:70,280,844, C>T on the plus strand (G>A on the coding strand, the complement: COL9A1 is on the minus strand). VCF-style: chr6-70280844-C-T. GRCh37 (hg19) VCF-style: chr6-70990547-C-T.
Other names: c.214G>A, p.Ala72Thr (NM_001377289.1, NM_001377290.1, NM_078485.4); c.943G>A, p.Ala315Thr (NM_001377291.1); short protein forms A72T, A315T.
Identifiers: ClinVar variation 1414386 (VCV001414386.8), dbSNP rs369114509, ClinGen allele CA364665760.
Genomic context (GRCh38, chr6:70,280,844, plus strand): 5'-GGCGCCCTCCCAGCACTCGCCTACTCACATCAGCGCCAGGTGTGCCAGGCTTGCCTGGAG[C>T]TCCTGGCTTTCCCGGTTCACCTGCAGGACCCTGAGCAGGGGCAGAAGGGTGCGGGGGCAG-3'
Protein context (NP_001842.3, residues 305-325): GPAGEPGKPG[Ala315Thr]PGKPGTPGAD

ClinVar aggregate classification (germline): Uncertain significance (1 of 4 stars; one submission).

Submission:

Labcorp Genetics (formerly Invitae), Labcorp
Classification: Uncertain significance. Last evaluated: 2021-03-29. Review status: criteria provided, single submitter. Criteria: Invitae Variant Classification Sherloc (09022015). Collection method: clinical testing. Allele origin: germline.
Comment: This variant has not been reported in the literature in individuals with COL9A1-related conditions. This variant is not present in population databases (ExAC no frequency). This sequence change replaces alanine with threonine at codon 315 of the COL9A1 protein (p.Ala315Thr). The alanine residue is moderately conserved and there is a small physicochemical difference between alanine and threonine. Advanced modeling of protein sequence and biophysical properties (such as structural, functional, and spatial information, amino acid conservation, physicochemical variation, residue mobility, and thermodynamic stability) performed at Invitae indicates that this missense variant is not expected to disrupt COL9A1 protein function. In summary, the available evidence is currently insufficient to determine the role of this variant in disease. Therefore, it has been classified as a Variant of Uncertain Significance.